The following is an entry in ClinVar:

ClinVar aggregate classification (germline): Uncertain significance (1 of 4 stars; one submission).

Allele frequency attached by ClinVar (database versions not stated): ExAC 0.00001; TOPMed 0.00001.
gnomAD v4.1: 4 of 1,614,086 alleles (0.00025%); highest among the groups gnomAD compares: Admixed American, 0.0067%; no homozygotes.

Submission:

Labcorp Genetics (formerly Invitae), Labcorp
Classification: Uncertain significance. Last evaluated: 2023-12-06. Review status: criteria provided, single submitter. Criteria: Invitae Variant Classification Sherloc (09022015). Collection method: clinical testing. Allele origin: germline.
Comment: This sequence change replaces histidine, which is basic and polar, with glutamine, which is neutral and polar, at codon 712 of the LAMC3 protein (p.His712Gln). This variant is present in population databases (rs780508107, gnomAD 0.009%). This variant has not been reported in the literature in individuals affected with LAMC3-related conditions. ClinVar contains an entry for this variant (Variation ID: 2132349). An algorithm developed to predict the effect of missense changes on protein structure and function (PolyPhen-2) suggests that this variant is likely to be disruptive. In summary, the available evidence is currently insufficient to determine the role of this variant in disease. Therefore, it has been classified as a Variant of Uncertain Significance.

NM_006059.4(LAMC3):c.2136T>A (p.His712Gln)

Gene: LAMC3 (laminin subunit gamma 3; plus strand). Cytogenetic location: 9q34.12.
Variant type: single nucleotide variant.
Coding change: c.2136T>A on transcript NM_006059.4 (MANE Select); coding-DNA position 2136, T replaced by A.
Protein change: p.His712Gln; replaces histidine 712 with glutamine.
Molecular consequence: missense variant.
Genome position (GRCh38, 1-based): chr9:131,057,125, T>A. VCF-style: chr9-131057125-T-A. GRCh37 (hg19) VCF-style: chr9-133932512-T-A.
Other names: short protein forms H712Q.
Identifiers: ClinVar variation 2132349 (VCV002132349.4), dbSNP rs780508107, ClinGen allele CA5287323.